The following is an entry in ClinVar:

NM_001369.3(DNAH5):c.11546dup (p.Phe3851fs)

Gene: DNAH5 (dynein axonemal heavy chain 5; minus strand). Cytogenetic location: 5p15.2.
Variant type: Duplication.
Coding change: c.11546dup on transcript NM_001369.3 (MANE Select); coding-DNA position 11546, one base duplicated (G; older notation c.11546dupG).
Protein change: p.Phe3851fs; shifts the reading frame from phenylalanine 3851.
Molecular consequence: frameshift variant.
Genome position (GRCh38, 1-based): chr5:13,735,842, C duplicated on the plus strand (G on the coding strand, the reverse complement: DNAH5 is on the minus strand); the first of 3 consecutive C bases (chr5:13,735,842-13,735,844); duplicating any one gives the same sequence. VCF-style (leftmost placement, unchanged base first): chr5-13735841-G-GC. GRCh37 (hg19) VCF-style: chr5-13735950-G-GC.
Other names: short protein forms F3851fs.
Identifiers: ClinVar variation 5012170 (VCV005012170.1).
Genomic context (GRCh38, chr5:13,735,841, plus strand): 5'-TATAGAATTCAGCTTGGCTTCCCGCGTACAGACGTACCTGGCTAAGGAAAGGTCAAATAA[G>GC]CCCAGAAACTGGCGAAGCGAAGTCTGATACATCTCATTAACCAAGCGCATCTCAGTAATG-3'

ClinVar aggregate classification (germline): Pathogenic (1 of 4 stars; one submission).

Conditions:
Primary ciliary dyskinesia 3. Identifiers: Orphanet 244, MedGen C1837618, MONDO:0012085, OMIM 608644.

Submission:

Myriad Genetics, Inc.
Classification: Pathogenic for Primary ciliary dyskinesia 3. Last evaluated: 2023-09-27. Review status: criteria provided, single submitter. Criteria: Myriad Autosomal Dominant, Autosomal Recessive and X-Linked Classification Criteria (2023). Collection method: clinical testing. Allele origin: unknown.
Comment: NM_001369.2(DNAH5):c.11546dupG(F3851Ifs*2) is expected to be pathogenic in the context of primary ciliary dyskinesia, DNAH5-related. This variant is predicted to lead to an abnormal or absent protein product due to the creation of a premature termination codon in DNAH5, a gene where loss-of-function variants are known to be pathogenic. Please note: this variant was assessed in the context of healthy population screening.